The following is an entry in ClinVar:

ClinVar aggregate classification (germline): Likely benign. Review status: criteria provided, multiple submitters, no conflicts (2 of 4 stars). 3 submissions from 3 submitters: Likely benign (3). Last evaluated 2025-06-20.

Conditions:
Inborn genetic diseases. Identifiers: MedGen C0950123, MeSH D030342.
Nemaline myopathy 2 (NEM2). Also called: Nemaline myopathy 2, autosomal recessive. Identifiers: MedGen C1850569, MONDO:0009725, OMIM 256030.

Allele frequency attached by ClinVar (database versions not stated): gnomAD 0.00001; gnomAD exomes 0.00001 and 0.00002; TOPMed 0.00001; ExAC 0.00003; 1000 Genomes Project 30x 0.00016; 1000 Genomes Project 0.00020.
gnomAD v4.1: 14 of 1,613,928 alleles (0.00087%); highest among the groups gnomAD compares: South Asian, 0.0099%; no homozygotes.

Submissions (3):

Labcorp Genetics (formerly Invitae), Labcorp
Classification: Likely benign for Nemaline myopathy 2. Last evaluated: 2025-06-20. Review status: criteria provided, single submitter. Criteria: Invitae Variant Classification Sherloc (09022015). Collection method: clinical testing. Allele origin: germline.

Ambry Genetics
Classification: Likely benign for Inborn genetic diseases. Last evaluated: 2024-03-08. Review status: criteria provided, single submitter. Criteria: Ambry Variant Classification Scheme 2023. Collection method: clinical testing. Allele origin: germline.

GeneDx
Classification: Likely benign. Last evaluated: 2018-09-11. Review status: criteria provided, single submitter. Criteria: GeneDx Variant Classification Process June 2021. Collection method: clinical testing. Allele origin: germline. Affected: yes.
Comment: See Variant Classification Assertion Criteria.

NM_001164508.2(NEB):c.22023G>A (p.Ala7341=)

Genes: NEB (nebulin; minus strand), RIF1 (replication timing regulatory factor 1; plus strand). Cytogenetic location: 2q23.3.
Variant type: single nucleotide variant.
Coding change: c.22023G>A on transcript NM_001164508.2 (MANE Select); coding-DNA position 22023, G replaced by A.
Protein change: p.Ala7341=; no amino-acid change (alanine 7341 retained).
Molecular consequence: synonymous variant.
Genome position (GRCh38, 1-based): chr2:151,526,185, C>T on the plus strand (G>A on the coding strand, the complement: NEB is on the minus strand). VCF-style: chr2-151526185-C-T. GRCh37 (hg19) VCF-style: chr2-152382699-C-T.
Other names: c.16920G>A (NM_004543.4); c.22023G>A, p.Ala7341= (NM_001164507.2); c.22128G>A, p.Ala7376= (NM_001271208.2); c.16920G>A, p.Ala5640= (NM_004543.5).
Identifiers: ClinVar variation 722040 (VCV000722040.13), dbSNP rs533246582, ClinGen allele CA1906806.